The following is an entry in ClinVar:

ClinVar aggregate classification (germline): Uncertain significance (1 of 4 stars; one submission).

Conditions:
Autoimmune lymphoproliferative syndrome type 1. Also called: AUTOIMMUNE LYMPHOPROLIFERATIVE SYNDROME, TYPE I, AUTOSOMAL DOMINANT. Identifiers: Orphanet 3261, MedGen C2717884, MONDO:0011158, OMIM 601859.

Submission:

Labcorp Genetics (formerly Invitae), Labcorp
Classification: Uncertain significance for Autoimmune lymphoproliferative syndrome. Last evaluated: 2021-12-24. Review status: criteria provided, single submitter. Criteria: Invitae Variant Classification Sherloc (09022015). Collection method: clinical testing. Allele origin: germline.
Comment: This sequence change replaces tryptophan, which is neutral and slightly polar, with arginine, which is basic and polar, at codon 162 of the FASLG protein (p.Trp162Arg). This variant is not present in population databases (gnomAD no frequency). This variant has not been reported in the literature in individuals affected with FASLG-related conditions. Algorithms developed to predict the effect of missense changes on protein structure and function (SIFT, PolyPhen-2, Align-GVGD) all suggest that this variant is likely to be disruptive. In summary, the available evidence is currently insufficient to determine the role of this variant in disease. Therefore, it has been classified as a Variant of Uncertain Significance.

NM_000639.3(FASLG):c.484T>C (p.Trp162Arg)

Gene: FASLG (Fas ligand; plus strand). Cytogenetic location: 1q24.3.
Variant type: single nucleotide variant.
Coding change: c.484T>C on transcript NM_000639.3 (MANE Select); coding-DNA position 484, T replaced by C.
Protein change: p.Trp162Arg; replaces tryptophan 162 with arginine.
Molecular consequence: missense variant. On other transcripts: 3 prime UTR variant (1).
Genome position (GRCh38, 1-based): chr1:172,665,654, T>C. VCF-style: chr1-172665654-T-C. GRCh37 (hg19) VCF-style: chr1-172634794-T-C.
Other names: c.*54T>C (NM_001302746.2); short protein forms W162R.
Identifiers: ClinVar variation 1479824 (VCV001479824.5), dbSNP rs2101810526, ClinGen allele CA343805953.